The following is an entry in ClinVar:

ClinVar aggregate classification (germline): Uncertain significance (1 of 4 stars; one submission).

Submission:

Labcorp Genetics (formerly Invitae), Labcorp
Classification: Uncertain significance. Last evaluated: 2023-12-04. Review status: criteria provided, single submitter. Criteria: Invitae Variant Classification Sherloc (09022015). Collection method: clinical testing. Allele origin: germline.
Comment: This sequence change replaces glutamine, which is neutral and polar, with glutamic acid, which is acidic and polar, at codon 1545 of the MCM3AP protein (p.Gln1545Glu). This variant is not present in population databases (gnomAD no frequency). This variant has not been reported in the literature in individuals affected with MCM3AP-related conditions. An algorithm developed to predict the effect of missense changes on protein structure and function (PolyPhen-2) suggests that this variant is likely to be tolerated. In summary, the available evidence is currently insufficient to determine the role of this variant in disease. Therefore, it has been classified as a Variant of Uncertain Significance.

NM_003906.5(MCM3AP):c.4633C>G (p.Gln1545Glu)

Genes: MCM3AP (minichromosome maintenance complex component 3 associated protein; minus strand), MCM3AP-AS1 (MCM3AP antisense RNA 1; plus strand). Cytogenetic location: 21q22.3.
Variant type: single nucleotide variant.
Coding change: c.4633C>G on transcript NM_003906.5 (MANE Select); coding-DNA position 4633, C replaced by G.
Protein change: p.Gln1545Glu; replaces glutamine 1545 with glutamic acid.
Molecular consequence: missense variant.
Genome position (GRCh38, 1-based): chr21:46,246,321, G>C on the plus strand (C>G on the coding strand, the complement: MCM3AP is on the minus strand). VCF-style: chr21-46246321-G-C. GRCh37 (hg19) VCF-style: chr21-47666235-G-C.
Other names: short protein forms Q1545E.
Identifiers: ClinVar variation 2700763 (VCV002700763.3), dbSNP rs2517325082, ClinGen allele CA410544683.